The following is an entry in ClinVar:

ClinVar aggregate classification (germline): Benign/Likely benign. Review status: criteria provided, multiple submitters, no conflicts (2 of 4 stars). 4 submissions from 4 submitters: Benign (1); Likely benign (3). Last evaluated 2025-01-10.

Conditions:
Familial cancer of breast. Also called: BREAST CANCER, FAMILIAL; Hereditary breast cancer; hereditary breast carcinoma. Identifiers: Orphanet 227535, MedGen C0346153, MONDO:0016419, OMIM 114480. Disease mechanism: loss of function.
Hereditary cancer-predisposing syndrome. Also called: Neoplastic Syndromes, Hereditary; Tumor predisposition; Hereditary neoplastic syndrome; Hereditary Cancer Syndrome. Identifiers: Orphanet 140162, MedGen C0027672, MeSH D009386, MONDO:0015356.

Allele frequency attached by ClinVar (database versions not stated): gnomAD exomes below 0.00001; ExAC 0.00001; gnomAD 0.00001.
gnomAD v4.1: 1 of 1,613,984 alleles (0.000062%); highest among the groups gnomAD compares: Non-Finnish European, 0.000085%; no homozygotes.

Submissions (4):

Myriad Genetics, Inc.
Classification: Benign for Familial cancer of breast. Last evaluated: 2025-01-10. Review status: criteria provided, single submitter. Criteria: Myriad Autosomal Dominant, Autosomal Recessive and X-Linked Classification Criteria (2023). Collection method: clinical testing. Allele origin: unknown.
Comment: This variant is considered benign. This variant is a silent/synonymous amino acid change and it is not expected to impact splicing.

Labcorp Genetics (formerly Invitae), Labcorp
Classification: Likely benign for Familial cancer of breast. Last evaluated: 2024-11-07. Review status: criteria provided, single submitter. Criteria: Invitae Variant Classification Sherloc (09022015). Collection method: clinical testing. Allele origin: germline.

Ambry Genetics
Classification: Likely benign for Hereditary cancer-predisposing syndrome. Last evaluated: 2018-03-30. Review status: criteria provided, single submitter. Criteria: Ambry Variant Classification Scheme 2023. Collection method: clinical testing. Allele origin: germline.

Color Diagnostics, LLC DBA Color Health
Classification: Likely benign for Hereditary cancer-predisposing syndrome. Last evaluated: 2018-03-24. Review status: criteria provided, single submitter. Criteria: ACMG Guidelines, 2015. Collection method: clinical testing. Allele origin: germline.

NM_024675.4(PALB2):c.504A>C (p.Ser168=)

Gene: PALB2 (partner and localizer of BRCA2; minus strand). Cytogenetic location: 16p12.2.
Variant type: single nucleotide variant.
Coding change: c.504A>C on transcript NM_024675.4 (MANE Select); coding-DNA position 504, A replaced by C.
Protein change: p.Ser168=; no amino-acid change (serine 168 retained).
Molecular consequence: synonymous variant.
Genome position (GRCh38, 1-based): chr16:23,636,042, T>G on the plus strand (A>C on the coding strand, the complement: PALB2 is on the minus strand). VCF-style: chr16-23636042-T-G. GRCh37 (hg19) VCF-style: chr16-23647363-T-G.
Identifiers: ClinVar variation 629856 (VCV000629856.12), dbSNP rs754500464, ClinGen allele CA7963785.